The following is an entry in ClinVar:

NM_001370259.2(MEN1):c.819G>T (p.Leu273=)

Gene: MEN1 (menin 1; minus strand). Cytogenetic location: 11q13.1.
Variant type: single nucleotide variant.
Coding change: c.819G>T on transcript NM_001370259.2 (MANE Select); coding-DNA position 819, G replaced by T.
Protein change: p.Leu273=; no amino-acid change (leucine 273 retained).
Molecular consequence: synonymous variant.
Genome position (GRCh38, 1-based): chr11:64,807,184, C>A on the plus strand (G>T on the coding strand, the complement: MEN1 is on the minus strand). VCF-style: chr11-64807184-C-A. GRCh37 (hg19) VCF-style: chr11-64574656-C-A.
Other names: c.834G>T, p.Leu278= (NM_000244.4, NM_130800.3, NM_130801.3 and 3 more transcripts); c.819G>T, p.Leu273= (NM_001370251.2, NM_001370260.2, NM_001370261.2 and 1 more transcripts); c.714G>T, p.Leu238= (NM_001370262.2, NM_001370263.2).
Identifiers: ClinVar variation 241828 (VCV000241828.19), dbSNP rs748369241, ClinGen allele CA061617.
Genomic context (GRCh38, chr11:64,807,184, plus strand): 5'-GCCACCCAGCCCCCCGGCCTCACCAGGCGCAGCCTGGCCACTTCCCTCTACTGACCTTTC[C>A]AGATGTCCCAGGTCATAGAGCAGCCAGAGCAGCTTCTAGGAGCCGAAGGAGAGAGTTATG-3'
Protein context (NP_001357188.2, residues 263-283): LLWLLYDLGH[Leu273=]ERYPMALGNL

ClinVar aggregate classification (germline): Conflicting classifications of pathogenicity. Review status: criteria provided, conflicting classifications (1 of 4 stars). 5 submissions from 5 submitters: Uncertain significance (2); Benign (1); Likely benign (2). Last evaluated 2026-02-02.

Conditions:
Hereditary cancer-predisposing syndrome. Also called: Neoplastic Syndromes, Hereditary; Tumor predisposition; Hereditary neoplastic syndrome; Hereditary Cancer Syndrome. Identifiers: Orphanet 140162, MedGen C0027672, MeSH D009386, MONDO:0015356.
Multiple endocrine neoplasia, type 1 (MEN1). Also called: MEN I; WERMER SYNDROME; Endocrine adenomatosis multiple; MEN 1; MEA I. Identifiers: Orphanet 652, MedGen C0025267, MeSH D018761, MONDO:0007540, OMIM 131100.

Allele frequency attached by ClinVar (database versions not stated): gnomAD exomes below 0.00001; TOPMed below 0.00001; ExAC 0.00001.
gnomAD v4.1: 5 of 1,614,014 alleles (0.00031%); highest among the groups gnomAD compares: Non-Finnish European, 0.00034%; no homozygotes.

Submissions (5):

Labcorp Genetics (formerly Invitae), Labcorp
Classification: Likely benign for Multiple endocrine neoplasia, type 1. Last evaluated: 2026-02-02. Review status: criteria provided, single submitter. Criteria: Invitae Variant Classification Sherloc (09022015). Collection method: clinical testing. Allele origin: germline.

Quest Diagnostics Nichols Institute San Juan Capistrano
Classification: Uncertain significance. Last evaluated: 2025-04-10. Review status: criteria provided, single submitter. Criteria: Quest Diagnostics criteria. Collection method: clinical testing. Allele origin: unknown.

Myriad Genetics, Inc.
Classification: Benign for Multiple endocrine neoplasia, type 1. Last evaluated: 2024-11-01. Review status: criteria provided, single submitter. Criteria: Myriad Autosomal Dominant, Autosomal Recessive and X-Linked Classification Criteria (2023). Collection method: clinical testing. Allele origin: unknown.
Comment: This variant is considered benign. This variant is a silent/synonymous amino acid change and it is not expected to impact splicing.

All of Us Research Program, National Institutes of Health
Classification: Uncertain significance for Multiple endocrine neoplasia, type 1. Last evaluated: 2023-06-26. Review status: criteria provided, single submitter. Criteria: ACMG Guidelines, 2015. Collection method: clinical testing. Allele origin: germline. Inheritance: Autosomal dominant inheritance. Observed: 1 variant allele, 1 heterozygote.
Comment: This variant is located in the MEN1 protein. To our knowledge, functional studies have not been reported for this variant. This variant has not been reported in individuals affected with MEN1-related disorders in the literature. This variant has been identified in 1/250630 chromosomes in the general population by the Genome Aggregation Database (gnomAD). The available evidence is insufficient to determine the role of this variant in disease conclusively. Therefore, this variant is classified as a Variant of Uncertain Significance.

This study involves interpretation of variants in research participants for the purpose of population health screening. Participant phenotype was not available at the time of variant classification. Additional details can be found in publication PMID: 35346344, PMCID: PMC8962531

Ambry Genetics
Classification: Likely benign for Hereditary cancer-predisposing syndrome. Last evaluated: 2019-05-22. Review status: criteria provided, single submitter. Criteria: Ambry Variant Classification Scheme 2023. Collection method: clinical testing. Allele origin: germline.